The following is an entry in ClinVar:

ClinVar aggregate classification (germline): Uncertain significance. Review status: criteria provided, multiple submitters, no conflicts (2 of 4 stars). 2 submissions from 2 submitters: Uncertain significance (2). Last evaluated 2021-12-29.

Allele frequency attached by ClinVar (database versions not stated): gnomAD exomes below 0.00001 and 0.00001; gnomAD 0.00001; TOPMed 0.00002; ESP Exome Variant Server 0.00008.
gnomAD v4.1: 21 of 1,613,180 alleles (0.0013%); highest among the groups gnomAD compares: Admixed American, 0.0033%; no homozygotes.

Submissions (2):

Labcorp Genetics (formerly Invitae), Labcorp
Classification: Uncertain significance. Last evaluated: 2021-12-29. Review status: criteria provided, single submitter. Criteria: Invitae Variant Classification Sherloc (09022015). Collection method: clinical testing. Allele origin: germline.
Comment: This sequence change replaces isoleucine, which is neutral and non-polar, with threonine, which is neutral and polar, at codon 4174 of the ADGRV1 protein (p.Ile4174Thr). This variant is not present in population databases (gnomAD no frequency). This variant has not been reported in the literature in individuals affected with ADGRV1-related conditions. ClinVar contains an entry for this variant (Variation ID: 1039660). Algorithms developed to predict the effect of missense changes on protein structure and function (SIFT, PolyPhen-2, Align-GVGD) all suggest that this variant is likely to be tolerated. In summary, the available evidence is currently insufficient to determine the role of this variant in disease. Therefore, it has been classified as a Variant of Uncertain Significance.

Blueprint Genetics
Classification: Uncertain significance. Last evaluated: 2019-07-10. Review status: criteria provided, single submitter. Criteria: ACMG Guidelines, 2015. Collection method: clinical testing. Allele origin: germline.

NM_032119.4(ADGRV1):c.12521T>C (p.Ile4174Thr)

Gene: ADGRV1 (adhesion G protein-coupled receptor V1; plus strand). Cytogenetic location: 5q14.3.
Variant type: single nucleotide variant.
Coding change: c.12521T>C on transcript NM_032119.4 (MANE Select); coding-DNA position 12521, T replaced by C.
Protein change: p.Ile4174Thr; replaces isoleucine 4174 with threonine.
Molecular consequence: missense variant. On other transcripts: non-coding transcript variant (1).
Genome position (GRCh38, 1-based): chr5:90,776,570, T>C. VCF-style: chr5-90776570-T-C. GRCh37 (hg19) VCF-style: chr5-90072387-T-C.
Other names: short protein forms I4174T.
Identifiers: ClinVar variation 1039660 (VCV001039660.7), dbSNP rs376488093, ClinGen allele CA122803560.
Genomic context (GRCh38, chr5:90,776,570, plus strand): 5'-CTCCGTCATCTAGGCACATCCTCATTGGGGAACCCTCAGCAAAATATAATGGTACCGCTA[T>C]TATCAGGTAAGGACTTCATGATTTTTCTTTGCCTATATGGGGGTTACGAAGTTTTATTTA-3'
Protein context (NP_115495.3, residues 4164-4184): EPSAKYNGTA[Ile4174Thr]ISLVRGPGIL